The following is an entry in ClinVar:

NM_001267550.2(TTN):c.67229A>C (p.Lys22410Thr)

Genes: TTN (titin; minus strand), TTN-AS1 (TTN antisense RNA 1; plus strand). Cytogenetic location: 2q31.2.
Variant type: single nucleotide variant.
Coding change: c.67229A>C on transcript NM_001267550.2 (MANE Select); coding-DNA position 67229, A replaced by C.
Protein change: p.Lys22410Thr; replaces lysine 22410 with threonine.
Molecular consequence: missense variant.
Genome position (GRCh38, 1-based): chr2:178,580,058, T>G on the plus strand (A>C on the coding strand, the complement: TTN is on the minus strand). VCF-style: chr2-178580058-T-G. GRCh37 (hg19) VCF-style: chr2-179444785-T-G.
Other names: c.62306A>C, p.Lys20769Thr (NM_001256850.1); c.40034A>C, p.Lys13345Thr (NM_003319.4); c.59525A>C, p.Lys19842Thr (NM_133378.4); c.40409A>C, p.Lys13470Thr (NM_133432.3); c.40610A>C, p.Lys13537Thr (NM_133437.4); c.67229A>C (NM_001267550.1); short protein forms K22410T, K13470T, K13537T, K20769T, K19842T, K13345T.
Identifiers: ClinVar variation 572833 (VCV000572833.8), dbSNP rs1559493839, ClinGen allele CA349424210.
Genomic context (GRCh38, chr2:178,580,058, plus strand): 5'-GCAAACACTCGGAAGAAGTAGGATTTTCCCTCCTCCAAATTAGCTACTCTGAAGCTTGTT[T>G]TGGAGCACTCAGTTGTCACTGTAGACCAGGATTTCCTCTCTGCATCACGTTTTTGTACCA-3'
Protein context (NP_001254479.2, residues 22400-22420): SWSTVTTECS[Lys22410Thr]TSFRVANLEE

ClinVar aggregate classification (germline): Uncertain significance. Review status: criteria provided, multiple submitters, no conflicts (2 of 4 stars). 3 submissions from 3 submitters: Uncertain significance (3). Last evaluated 2025-04-02.

Conditions:
Autosomal recessive limb-girdle muscular dystrophy type 2J (LGMDR10). Also called: MUSCULAR DYSTROPHY, LIMB-GIRDLE, AUTOSOMAL RECESSIVE 10; Limb-girdle muscular dystrophy, type 2J. Identifiers: Orphanet 140922, MedGen C1837342, MONDO:0012127, OMIM 608807.
Dilated cardiomyopathy 1G (CMD1G). Identifiers: Orphanet 154, MedGen C1858763, MONDO:0011400, OMIM 604145.
Hypertrophic cardiomyopathy 9. Also called: Familial hypertrophic cardiomyopathy 9. Identifiers: MedGen C1861065, MONDO:0013412, OMIM 613765.
Tibial muscular dystrophy (TMD). Also called: Tibial muscular dystrophy, tardive; Udd Distal Myopathy – Tibial Muscular Dystrophy; UDD MYOPATHY. Identifiers: Orphanet 609, MedGen C1838244, MONDO:0010870, OMIM 600334.
Early-onset myopathy with fatal cardiomyopathy (CMYO5). Also called: CONGENITAL MYOPATHY 5 WITH CARDIOMYOPATHY; Salih Myopathy. Identifiers: Orphanet 289377, MedGen C2673677, MONDO:0012714, OMIM 611705. Disease mechanism: loss of function.
Myopathy, myofibrillar, 9, with early respiratory failure (MFM9). Also called: Myopathy, distal, with early respiratory failure, autosomal dominant; Hereditary myopathy with early respiratory failure; EDSTROM MYOPATHY; MYOPATHY, PROXIMAL, WITH EARLY RESPIRATORY MUSCLE INVOLVEMENT. Identifiers: Orphanet 178464, Orphanet 34521, MedGen C1863599, MONDO:0011362, OMIM 603689.

Allele frequency attached by ClinVar (database versions not stated): gnomAD exomes below 0.00001.
gnomAD v4.1: 1 of 1,613,376 alleles (0.000062%); highest among the groups gnomAD compares: Admixed American, 0.0017%; no homozygotes.

Submissions (3):

GeneDx
Classification: Uncertain significance. Last evaluated: 2025-04-02. Review status: criteria provided, single submitter. Criteria: GeneDx Variant Classification Process June 2021. Collection method: clinical testing. Allele origin: germline. Affected: yes.
Comment: Not observed at significant frequency in large population cohorts (gnomAD); Missense variant in a gene in which most reported pathogenic variants are truncating/loss of function; Has not been previously published as pathogenic or benign to our knowledge

Fulgent Genetics
Classification: Uncertain significance for Tibial muscular dystrophy; Myopathy, myofibrillar, 9, with early respiratory failure; Dilated cardiomyopathy 1G; Autosomal recessive limb-girdle muscular dystrophy type 2J; Early-onset myopathy with fatal cardiomyopathy; Hypertrophic cardiomyopathy 9. Last evaluated: 2021-10-20. Review status: criteria provided, single submitter. Criteria: ACMG Guidelines, 2015. Collection method: clinical testing. Allele origin: unknown.

Labcorp Genetics (formerly Invitae), Labcorp
Classification: Uncertain significance for Dilated cardiomyopathy 1G; Autosomal recessive limb-girdle muscular dystrophy type 2J. Last evaluated: 2021-08-13. Review status: criteria provided, single submitter. Criteria: Invitae Variant Classification Sherloc (09022015). Collection method: clinical testing. Allele origin: germline.